The following is an entry in ClinVar:

ClinVar aggregate classification (germline): Uncertain significance. Review status: criteria provided, multiple submitters, no conflicts (2 of 4 stars). 2 submissions from 2 submitters: Uncertain significance (2). Last evaluated 2025-10-01.

Conditions:
Inborn genetic diseases. Identifiers: MedGen C0950123, MeSH D030342.
Amyotrophic lateral sclerosis type 4 (ALS4). Also called: AMYOTROPHIC LATERAL SCLEROSIS 4, JUVENILE; NEURONOPATHY, DISTAL HEREDITARY MOTOR, WITH PYRAMIDAL FEATURES. Identifiers: Orphanet 357043, MedGen C1865409, MONDO:0011223, OMIM 602433.
Spinocerebellar ataxia, autosomal recessive, with axonal neuropathy 2 (SCAN2). Also called: ATAXIA-OCULOMOTOR APRAXIA 2; Ataxia with Oculomotor Apraxia Type 2; Ataxia-ocular apraxia-2; Ataxia with Oculomotor Apraxia. Identifiers: Orphanet 64753, MedGen C1853761, MONDO:0018996, OMIM 606002.

Allele frequency attached by ClinVar (database versions not stated): gnomAD exomes below 0.00001.
gnomAD v4.1: 4 of 1,614,154 alleles (0.00025%); highest among the groups gnomAD compares: South Asian, 0.0022%; no homozygotes.

Submissions (2):

Labcorp Genetics (formerly Invitae), Labcorp
Classification: Uncertain significance for Amyotrophic lateral sclerosis type 4; Spinocerebellar ataxia, autosomal recessive, with axonal neuropathy 2. Last evaluated: 2025-10-01. Review status: criteria provided, single submitter. Criteria: Invitae Variant Classification Sherloc (09022015). Collection method: clinical testing. Allele origin: germline.
Comment: This sequence change replaces lysine, which is basic and polar, with asparagine, which is neutral and polar, at codon 1133 of the SETX protein (p.Lys1133Asn). This variant is not present in population databases (gnomAD no frequency). This variant has not been reported in the literature in individuals affected with SETX-related conditions. ClinVar contains an entry for this variant (Variation ID: 2931661). Invitae Evidence Modeling of protein sequence and biophysical properties (such as structural, functional, and spatial information, amino acid conservation, physicochemical variation, residue mobility, and thermodynamic stability) indicates that this missense variant is not expected to disrupt SETX protein function with a negative predictive value of 95%. In summary, the available evidence is currently insufficient to determine the role of this variant in disease. Therefore, it has been classified as a Variant of Uncertain Significance.

Ambry Genetics
Classification: Uncertain significance for Inborn genetic diseases. Last evaluated: 2025-04-18. Review status: criteria provided, single submitter. Criteria: Ambry Variant Classification Scheme 2023. Collection method: clinical testing. Allele origin: germline.

NM_015046.7(SETX):c.3399A>T (p.Lys1133Asn)

Gene: SETX (senataxin; minus strand). Cytogenetic location: 9q34.13.
Variant type: single nucleotide variant.
Coding change: c.3399A>T on transcript NM_015046.7 (MANE Select); coding-DNA position 3399, A replaced by T.
Protein change: p.Lys1133Asn; replaces lysine 1133 with asparagine.
Molecular consequence: missense variant.
Genome position (GRCh38, 1-based): chr9:132,328,199, T>A on the plus strand (A>T on the coding strand, the complement: SETX is on the minus strand). VCF-style: chr9-132328199-T-A. GRCh37 (hg19) VCF-style: chr9-135203586-T-A.
Other names: c.3399A>T, p.Lys1133Asn (NM_001351527.2, NM_001351528.2); short protein forms K1133N.
Identifiers: ClinVar variation 2931661 (VCV002931661.4), dbSNP rs2539109962, ClinGen allele CA375330658.
Genomic context (GRCh38, chr9:132,328,199, plus strand): 5'-ACAAAATTCTTCAACAGAAATACTCCGTGGTCTTGTGTGTTCTTCAATGCCCTCTGCTCC[T>A]TTTTTAACAACTTCAGATACATAATCTGTACAACCCTGACCATTTGTAGTATTGGCTATA-3'
Protein context (NP_055861.3, residues 1123-1143): CTDYVSEVVK[Lys1133Asn]GAEGIEEHTR